The following is an entry in ClinVar:

ClinVar aggregate classification (germline): Benign. Review status: criteria provided, multiple submitters, no conflicts (2 of 4 stars). 3 submissions from 3 submitters: Benign (2). 1 of the submissions does not count toward it. Last evaluated 2026-01-17.

Conditions:
EXPH5-related disorder. Also called: EXPH5-related condition.

Allele frequency attached by ClinVar (database versions not stated): ExAC 0.00213; gnomAD 0.00686 and 0.00729; 1000 Genomes Project 0.00759; TOPMed 0.00761; ESP Exome Variant Server 0.00777; 1000 Genomes Project 30x 0.00859; gnomAD exomes 0.00065 and 0.00171.
gnomAD v4.1: 2,020 of 1,614,152 alleles (0.13%); highest among the groups gnomAD compares: African/African-American, 2.3%; 22 homozygotes.

Submissions (3):

Labcorp Genetics (formerly Invitae), Labcorp
Classification: Benign. Last evaluated: 2026-01-17. Review status: criteria provided, single submitter. Criteria: Invitae Variant Classification Sherloc (09022015). Collection method: clinical testing. Allele origin: germline.

Breakthrough Genomics
Classification: Benign. Review status: criteria provided, single submitter. Criteria: ACMG Guidelines, 2015. Collection method: not provided. Allele origin: germline. Inheritance: Autosomal recessive inheritance. Affected: yes.

PreventionGenetics, part of Exact Sciences
Classification: Likely benign for EXPH5-related condition. Last evaluated: 2024-07-23. Review status: no assertion criteria provided. Collection method: clinical testing. Allele origin: germline. Not counted in ClinVar's aggregate classification.
Comment: This variant is classified as likely benign based on ACMG/AMP sequence variant interpretation guidelines (Richards et al. 2015 PMID: 25741868, with internal and published modifications).

NM_015065.3(EXPH5):c.4984A>G (p.Asn1662Asp)

Gene: EXPH5 (exophilin 5; minus strand). Cytogenetic location: 11q22.3.
Variant type: single nucleotide variant.
Coding change: c.4984A>G on transcript NM_015065.3 (MANE Select); coding-DNA position 4984, A replaced by G.
Protein change: p.Asn1662Asp; replaces asparagine 1662 with aspartic acid.
Molecular consequence: missense variant.
Genome position (GRCh38, 1-based): chr11:108,510,523, T>C on the plus strand (A>G on the coding strand, the complement: EXPH5 is on the minus strand). VCF-style: chr11-108510523-T-C. GRCh37 (hg19) VCF-style: chr11-108381250-T-C.
Other names: c.4756A>G, p.Asn1586Asp (NM_001144763.2); c.4516A>G, p.Asn1506Asp (NM_001144764.2); c.4420A>G, p.Asn1474Asp (NM_001144765.2); c.4963A>G, p.Asn1655Asp (NM_001308019.2); short protein forms N1506D, N1662D, N1474D, N1655D, N1586D.
Identifiers: ClinVar variation 790102 (VCV000790102.11), dbSNP rs35276439, ClinGen allele CA6267427.